The following is an entry in ClinVar:

NM_000090.4(COL3A1):c.547G>A (p.Gly183Ser)

Gene: COL3A1 (collagen type III alpha 1 chain; plus strand). Cytogenetic location: 2q32.2.
Variant type: single nucleotide variant.
Coding change: c.547G>A on transcript NM_000090.4 (MANE Select); coding-DNA position 547, G replaced by A.
Protein change: p.Gly183Ser; replaces glycine 183 with serine.
Molecular consequence: missense variant.
Genome position (GRCh38, 1-based): chr2:188,988,099, G>A. VCF-style: chr2-188988099-G-A. GRCh37 (hg19) VCF-style: chr2-189852825-G-A.
Other names: G16S.
Identifiers: ClinVar variation 17228 (VCV000017228.19), dbSNP rs121912926, ClinGen allele CA006927.

ClinVar aggregate classification (germline): Pathogenic/Likely pathogenic. Review status: criteria provided, multiple submitters, no conflicts (2 of 4 stars). 8 submissions from 8 submitters: Pathogenic (5); Likely pathogenic (1). 2 of the submissions do not count toward it. Last evaluated 2025-08-29.

Conditions:
Familial thoracic aortic aneurysm and aortic dissection (TAAD). Also called: Thoracic aortic aneurysms and dissections. Identifiers: Orphanet 91387, MedGen C4707243, MONDO:0019625.
Ehlers-Danlos syndrome, type 4 (EDSVASC). Also called: Ehlers-Danlos syndrome vascular type; Ehlers Danlos syndrome, ecchymotic type; Ehlers Danlos syndrome, arterial type; Ehlers Danlos syndrome, Sack-Barabas type; Ehlers-Danlos Syndrome Type IV. Identifiers: Orphanet 286, MedGen C0268338, MONDO:0017314, OMIM 130050.

Submissions (8):

Labcorp Genetics (formerly Invitae), Labcorp
Classification: Pathogenic for Ehlers-Danlos syndrome, type 4. Last evaluated: 2025-08-29. Review status: criteria provided, single submitter. Criteria: Invitae Variant Classification Sherloc (09022015). Collection method: clinical testing. Allele origin: germline.
Comment: This sequence change replaces glycine, which is neutral and non-polar, with serine, which is neutral and polar, at codon 183 of the COL3A1 protein (p.Gly183Ser). This variant is not present in population databases (gnomAD no frequency). This missense change has been observed in individuals with Ehlers-Danlos syndrome IV (PMID: 10706896, 18043893, 24922459). This variant is also known as G16S. ClinVar contains an entry for this variant (Variation ID: 17228). Invitae Evidence Modeling of protein sequence and biophysical properties (such as structural, functional, and spatial information, amino acid conservation, physicochemical variation, residue mobility, and thermodynamic stability) indicates that this missense variant is expected to disrupt COL3A1 protein function with a positive predictive value of 95%. This variant disrupts the triple helix domain of COL3A1. Glycine residues within the Gly-Xaa-Yaa repeats of the triple helix domain are required for the structure and stability of fibrillar collagens (PMID: 7695699, 8218237, 19344236). In COL3A1, variants that affect these glycine residues are significantly enriched in individuals with disease (PMID: 24922459, 25758994) compared to the general population (ExAC). This variant disrupts the p.Gly183 amino acid residue in COL3A1. Other variant(s) that disrupt this residue have been determined to be pathogenic (PMID: 9036918, 10706896, 24399159). This suggests that this residue is clinically significant, and that variants that disrupt this residue are likely to be disease-causing. For these reasons, this variant has been classified as Pathogenic.

Baylor Genetics
Classification: Pathogenic for Ehlers-Danlos syndrome, type 4. Last evaluated: 2021-08-10. Review status: criteria provided, single submitter. Criteria: ACMG Guidelines, 2015. Collection method: clinical testing. Allele origin: unknown.

Color Diagnostics, LLC DBA Color Health
Classification: Pathogenic for Familial thoracic aortic aneurysm and aortic dissection. Last evaluated: 2019-01-04. Review status: criteria provided, single submitter. Criteria: ACMG Guidelines, 2015. Collection method: clinical testing. Allele origin: germline.
Comment: This missense variant changes one of the conserved glycine residues in the repeated Gly-Xaa-Yaa motif of the triple helical region of the COL3A1 protein. This variant is also known as G16S in the literature (i.e., the variant alters the 16th glycine of the triple helical region). Computational prediction tools and conservation analyses suggest that this variant may have deleterious impact on the protein function. Computational splicing tools suggest that this variant may not impact RNA splicing. An experimental study with a transgenic Col3a1Tg-G182S mouse line (equivalent to human G183S) has shown that the mice display a phenotype recapitulating characteristics of human vascular Ehlers-Danlos syndrome patients with signs of dermal and vascular fragility (PMID: 29551664). The transgenic mice developed severe transdermal skin wounds, resulting in death at 13-14weeks of age. This variant has been reported in over 25 individuals affected with vascular Ehlers-Danlos syndrome (PMID: 10706896, 18043893, 22065459, 24922459). This variant has not been identified in the general population by the Genome Aggregation Database (gnomAD). Based on available evidence, this variant is classified as Pathogenic.

GeneDx
Classification: Pathogenic. Last evaluated: 2017-02-10. Review status: criteria provided, single submitter. Criteria: GeneDx Variant Classification (06012015). Collection method: clinical testing. Allele origin: germline. Affected: yes.
Comment: The G183S pathogenic variant was identified in the COL3A1 gene. G183S, described as G16S in some publications due to alternative nomenclature, was initially reported in seven unrelated families with vascular EDS who experienced both arterial and gastrointestinal complications of the condition (Pepin et al., 2000). Furthermore, cultured fibroblasts from the probands of these families were reported to produce abnormal type III procollagen (Pepin et al., 2000). This pathogenic variant was also reported in two other unrelated individuals with a clinical diagnosis of vascular EDS (Mortani et al., 2011; Frank et al., 2015). In addition, G183S is classified as pathogenic by another clinical laboratory, and is reported to have occurred de novo in four individuals with vascular EDS (ClinVar SCV000120504.1; Landrum et al., 2016; Fokkema et al., 2011). Moreover, an abstract by D'hondt et al. (2015) reports that transgenic mice harboring the G183S variant display the clinical features of human vascular EDS, including slow wound healing and thin, translucent skin. The G183S variant is also not observed in large population cohorts (Lek et al., 2016; 1000 Genomes Consortium et al., 2015; Exome Variant Server).The G183S variant is a non-conservative amino acid substitution that occurs at a position that is conserved across species. This substitution also affects a Glycine residue in a Gly-X-Y motif in the triple helical region of the COL3A1 gene, where the majority of pathogenic missense variants occur (Stenson et al., 2014; Pepin et al., 2015). In silico analysis predicts this variant is probably damaging to the protein structure/function. Furthermore, four other variants at the same residue (G183C, G183R, G183D, G183A) have each been reported in at least one individual with vascular EDS (Smith et al., 1997; Pepin et al., 2000; Frank et al., 2015; Morissette et al., 2014), supporting the functional importance of this residue of the protein.In summary, G183S in the COL3A1 gene is interpreted as a pathogenic variant.

Ambry Genetics
Classification: Likely pathogenic for Familial thoracic aortic aneurysm and aortic dissection. Last evaluated: 2016-10-24. Review status: criteria provided, single submitter. Criteria: Ambry Variant Classification Scheme 2023. Collection method: clinical testing. Allele origin: germline.
Comment: The p.G183S variant (also known as c.547G>A), located in coding exon 6 of the COL3A1 gene, results from a G to A substitution at nucleotide position 547. The glycine at codon 183 is replaced by serine, an amino acid with similar properties. The majority (approximately two-thirds) of COL3A1 mutations identified to date have involved the substitution of another amino acid for glycine within the triple-helical domain (Schwarze U et al. Am J Hum Genet. 1997;61(6):1276-1286; Pepin MG et al. Genet Med. 2014;16(12):881-8). The p.G183S alteration (sometimes reported with the legacy nomenclature p.G16S) has been detected in many unrelated individuals with Ehlers-Danlos syndrome type IV (vascular type), and cultured skin fibroblasts from a number of these patients have been shown to produce abnormal type III procollagen (Pepin M et al. N. Engl. J. Med. 2000;342:673-80; Kerwin W et al. Int J Cardiovasc Imaging. 2008;24:519-28; Mortani Barbosa EJ et al. Am. J. Med. Genet. A. 2011;155A:3090-4; Pepin MG et al. Genet. Med. 2014;16:881-8). This variant was previously reported in the SNPDatabase as rs121912926, but was absent from population-based cohorts in the Exome Aggregation Consortium (ExAC), NHLBI Exome Sequencing Project (ESP), and 1000 Genomes Project databases. This amino acid position is highly conserved in available vertebrate species. In addition, this alteration is predicted to be deleterious by in silico analysis. Based on the majority of available evidence to date, this variant is likely to be pathogenic.

Clinical Genetics Service, Universitary Hospital 12 de Octubre
Classification: Pathogenic for Ehlers-Danlos syndrome, type 4. Review status: criteria provided, single submitter. Criteria: ACMG Guidelines, 2015. Collection method: clinical testing. Allele origin: germline. Affected: yes.

OMIM
Classification: Pathogenic for EHLERS-DANLOS SYNDROME, VASCULAR TYPE. Last evaluated: 2000-03-09. Review status: no assertion criteria provided. Collection method: literature only. Allele origin: germline. Not counted in ClinVar's aggregate classification.

Collagen Diagnostic Laboratory, University of Washington
Classification: Pathogenic for Ehlers-Danlos syndrome, type 4. Review status: no assertion criteria provided. Collection method: clinical testing. Allele origin: germline. Affected: yes. Not counted in ClinVar's aggregate classification.

Literature cited by the submitters: PubMed 10706896 (cited by 4 submitters); PubMed 18043893 (cited by 3 submitters); PubMed 24922459 (cited by Labcorp Genetics (formerly Invitae), Labcorp and Ambry Genetics); PubMed 7695699 (cited by Labcorp Genetics (formerly Invitae), Labcorp); PubMed 8218237 (cited by Labcorp Genetics (formerly Invitae), Labcorp); PubMed 19344236 (cited by Labcorp Genetics (formerly Invitae), Labcorp); PubMed 25758994 (cited by Labcorp Genetics (formerly Invitae), Labcorp); PubMed 9036918 (cited by Labcorp Genetics (formerly Invitae), Labcorp); PubMed 24399159 (cited by Labcorp Genetics (formerly Invitae), Labcorp); PubMed 22065459 (cited by Ambry Genetics); PubMed 25525159 (cited by Ambry Genetics).